The following is an entry in ClinVar:

NM_001079537.2(TRAPPC6B):c.101C>T (p.Thr34Ile)

Gene: TRAPPC6B (trafficking protein particle complex subunit 6B; minus strand). Cytogenetic location: 14q21.1.
Variant type: single nucleotide variant.
Coding change: c.101C>T on transcript NM_001079537.2 (MANE Select); coding-DNA position 101, C replaced by T.
Protein change: p.Thr34Ile; replaces threonine 34 with isoleucine.
Molecular consequence: missense variant.
Genome position (GRCh38, 1-based): chr14:39,159,531, G>A on the plus strand (C>T on the coding strand, the complement: TRAPPC6B is on the minus strand). VCF-style: chr14-39159531-G-A. GRCh37 (hg19) VCF-style: chr14-39628735-G-A.
Other names: c.101C>T, p.Thr34Ile (NM_177452.4); short protein forms T34I.
Identifiers: ClinVar variation 2025199 (VCV002025199.4), dbSNP rs775755248, ClinGen allele CA7162863.

ClinVar aggregate classification (germline): Uncertain significance (1 of 4 stars; one submission).

Allele frequency attached by ClinVar (database versions not stated): ExAC 0.00001.

Submission:

Labcorp Genetics (formerly Invitae), Labcorp
Classification: Uncertain significance. Last evaluated: 2023-02-24. Review status: criteria provided, single submitter. Criteria: Invitae Variant Classification Sherloc (09022015). Collection method: clinical testing. Allele origin: germline.
Comment: This sequence change replaces threonine, which is neutral and polar, with isoleucine, which is neutral and non-polar, at codon 34 of the TRAPPC6B protein (p.Thr34Ile). The frequency data for this variant in the population databases is considered unreliable, as metrics indicate poor data quality at this position in the gnomAD database. This variant has not been reported in the literature in individuals affected with TRAPPC6B-related conditions. ClinVar contains an entry for this variant (Variation ID: 2025199). An algorithm developed to predict the effect of missense changes on protein structure and function (PolyPhen-2) suggests that this variant is likely to be tolerated. In summary, the available evidence is currently insufficient to determine the role of this variant in disease. Therefore, it has been classified as a Variant of Uncertain Significance.